The following is an entry in ClinVar:

NM_006206.6(PDGFRA):c.1267G>A (p.Asp423Asn)

Gene: PDGFRA (platelet derived growth factor receptor alpha; plus strand). Cytogenetic location: 4q12.
Variant type: single nucleotide variant.
Coding change: c.1267G>A on transcript NM_006206.6 (MANE Select); coding-DNA position 1267, G replaced by A.
Protein change: p.Asp423Asn; replaces aspartic acid 423 with asparagine.
Molecular consequence: missense variant.
Genome position (GRCh38, 1-based): chr4:54,272,423, G>A. VCF-style: chr4-54272423-G-A. GRCh37 (hg19) VCF-style: chr4-55138590-G-A.
Other names: c.1267G>A, p.Asp423Asn (NM_001347827.2, NM_001347829.2); c.1342G>A, p.Asp448Asn (NM_001347828.2); c.1306G>A, p.Asp436Asn (NM_001347830.2); short protein forms D423N, D436N, D448N.
Identifiers: ClinVar variation 573290 (VCV000573290.14), dbSNP rs776298880, ClinGen allele CA356892195.

ClinVar aggregate classification (germline): Uncertain significance. Review status: criteria provided, multiple submitters, no conflicts (2 of 4 stars). 3 submissions from 3 submitters: Uncertain significance (3). Last evaluated 2026-01-15.

Conditions:
Hereditary cancer-predisposing syndrome. Also called: Hereditary Cancer Syndrome; Tumor predisposition; Neoplastic Syndromes, Hereditary; Hereditary neoplastic syndrome. Identifiers: Orphanet 140162, MedGen C0027672, MeSH D009386, MONDO:0015356.
Gastrointestinal stromal tumor. Also called: Gastrointestinal stromal tumor, somatic; Gastrointestinal stroma tumor. Identifiers: Orphanet 44890, MedGen C0238198, MeSH D046152, MONDO:0011719, OMIM 606764, HP:0100723.

Allele frequency attached by ClinVar (database versions not stated): gnomAD 0.00001; gnomAD exomes 0.00001; TOPMed 0.00002.
gnomAD v4.1: 22 of 1,613,910 alleles (0.0014%); highest among the groups gnomAD compares: Middle Eastern, 0.016%; no homozygotes.

Submissions (3):

Labcorp Genetics (formerly Invitae), Labcorp
Classification: Uncertain significance for Gastrointestinal stromal tumor. Last evaluated: 2026-01-15. Review status: criteria provided, single submitter. Criteria: Invitae Variant Classification Sherloc (09022015). Collection method: clinical testing. Allele origin: germline.
Comment: This sequence change replaces aspartic acid, which is acidic and polar, with asparagine, which is neutral and polar, at codon 423 of the PDGFRA protein (p.Asp423Asn). This variant is present in population databases (no rsID available, gnomAD 0.007%). This variant has not been reported in the literature in individuals affected with PDGFRA-related conditions. ClinVar contains an entry for this variant (Variation ID: 573290). Invitae Evidence Modeling of protein sequence and biophysical properties (such as structural, functional, and spatial information, amino acid conservation, physicochemical variation, residue mobility, and thermodynamic stability) indicates that this missense variant is not expected to disrupt PDGFRA protein function with a negative predictive value of 80%. In summary, the available evidence is currently insufficient to determine the role of this variant in disease. Therefore, it has been classified as a Variant of Uncertain Significance.

Ambry Genetics
Classification: Uncertain significance for Hereditary cancer-predisposing syndrome. Last evaluated: 2025-12-22. Review status: criteria provided, single submitter. Criteria: Ambry Variant Classification Scheme 2023. Collection method: clinical testing. Allele origin: germline.

GeneDx
Classification: Uncertain significance. Last evaluated: 2023-04-20. Review status: criteria provided, single submitter. Criteria: GeneDx Variant Classification Process June 2021. Collection method: clinical testing. Allele origin: germline. Affected: yes.
Comment: Not observed at significant frequency in large population cohorts (gnomAD); In silico analysis supports that this missense variant does not alter protein structure/function; Has not been previously published as pathogenic or benign to our knowledge; This variant is associated with the following publications: (PMID: 29641532)